The following is an entry in ClinVar:

ClinVar aggregate classification (germline): Uncertain significance. Review status: criteria provided, multiple submitters, no conflicts (2 of 4 stars). 2 submissions from 2 submitters: Uncertain significance (2). Last evaluated 2024-01-22.

Conditions:
Inborn genetic diseases. Identifiers: MedGen C0950123, MeSH D030342.
Asphyxiating thoracic dystrophy 5 (SRTD5). Also called: SHORT-RIB THORACIC DYSPLASIA 5 WITH OR WITHOUT POLYDACTYLY; SHORT-RIB THORACIC DYSPLASIA 5 WITHOUT POLYDACTYLY. Identifiers: Orphanet 474, MedGen C3280598, MONDO:0013717, OMIM 614376.
Senior-Loken syndrome 8 (SLSN8). Identifiers: Orphanet 3156, MedGen C4225376, MONDO:0014579, OMIM 616307.

Allele frequency attached by ClinVar (database versions not stated): ExAC 0.00001; gnomAD exomes 0.00001; TOPMed 0.00002.
gnomAD v4.1: 7 of 1,603,088 alleles (0.00044%); highest among the groups gnomAD compares: African/African-American, 0.0013%; no homozygotes.

Submissions (2):

Labcorp Genetics (formerly Invitae), Labcorp
Classification: Uncertain significance for Senior-Loken syndrome 8; Asphyxiating thoracic dystrophy 5. Last evaluated: 2024-01-22. Review status: criteria provided, single submitter. Criteria: Invitae Variant Classification Sherloc (09022015). Collection method: clinical testing. Allele origin: germline.
Comment: This sequence change replaces methionine, which is neutral and non-polar, with valine, which is neutral and non-polar, at codon 652 of the WDR19 protein (p.Met652Val). This variant is present in population databases (rs779213986, gnomAD 0.007%). This variant has not been reported in the literature in individuals affected with WDR19-related conditions. Algorithms developed to predict the effect of missense changes on protein structure and function output the following: SIFT: "Not Available"; PolyPhen-2: "Benign"; Align-GVGD: "Not Available". The valine amino acid residue is found in multiple mammalian species, which suggests that this missense change does not adversely affect protein function. In summary, the available evidence is currently insufficient to determine the role of this variant in disease. Therefore, it has been classified as a Variant of Uncertain Significance.

Ambry Genetics
Classification: Uncertain significance for Inborn genetic diseases. Last evaluated: 2023-12-22. Review status: criteria provided, single submitter. Criteria: Ambry Variant Classification Scheme 2023. Collection method: clinical testing. Allele origin: germline.

NM_025132.4(WDR19):c.1954A>G (p.Met652Val)

Gene: WDR19 (WD repeat domain 19; plus strand). Cytogenetic location: 4p14.
Variant type: single nucleotide variant.
Coding change: c.1954A>G on transcript NM_025132.4 (MANE Select); coding-DNA position 1954, A replaced by G.
Protein change: p.Met652Val; replaces methionine 652 with valine.
Molecular consequence: missense variant.
Genome position (GRCh38, 1-based): chr4:39,228,662, A>G. VCF-style: chr4-39228662-A-G. GRCh37 (hg19) VCF-style: chr4-39230282-A-G.
Other names: c.1954A>G (NM_025132.3); c.1474A>G, p.Met492Val (NM_001317924.2); short protein forms M652V, M492V.
Identifiers: ClinVar variation 2924227 (VCV002924227.4), dbSNP rs779213986, ClinGen allele CA2891972.
Genomic context (GRCh38, chr4:39,228,662, plus strand): 5'-CTTAGCACCCATGGCTTTCTCAGCAACTTAAAAGATACGGGGCCTGACGAACTGAGACCA[A>G]TGCTGGCACAGAATTTAATGCTAAAGAGGTAGGCTTTCACACACTTCTTTTGGAACTTCT-3'
Protein context (NP_079408.3, residues 642-662): KDTGPDELRP[Met652Val]LAQNLMLKRF